The following is an entry in ClinVar:

ClinVar aggregate classification (germline): Uncertain significance (1 of 4 stars; one submission).

Conditions:
Early-infantile DEE. Also called: Early infantile epileptic encephalopathy; Early infantile epileptic encephalopathy with suppression bursts; Ohtahara syndrome. Identifiers: Orphanet 1934, MedGen C0393706, MONDO:0800491.

Submission:

Labcorp Genetics (formerly Invitae), Labcorp
Classification: Uncertain significance for Early-infantile DEE. Last evaluated: 2022-12-07. Review status: criteria provided, single submitter. Criteria: Invitae Variant Classification Sherloc (09022015). Collection method: clinical testing. Allele origin: germline.
Comment: This variant has not been reported in the literature in individuals affected with HCN1-related conditions. Advanced modeling of protein sequence and biophysical properties (such as structural, functional, and spatial information, amino acid conservation, physicochemical variation, residue mobility, and thermodynamic stability) performed at Invitae indicates that this missense variant is not expected to disrupt HCN1 protein function. This variant is not present in population databases (gnomAD no frequency). This sequence change replaces leucine, which is neutral and non-polar, with proline, which is neutral and non-polar, at codon 602 of the HCN1 protein (p.Leu602Pro). In summary, the available evidence is currently insufficient to determine the role of this variant in disease. Therefore, it has been classified as a Variant of Uncertain Significance.

NM_021072.4(HCN1):c.1805T>C (p.Leu602Pro)

Gene: HCN1 (hyperpolarization activated cyclic nucleotide gated potassium channel 1; minus strand). Cytogenetic location: 5p12.
Variant type: single nucleotide variant.
Coding change: c.1805T>C on transcript NM_021072.4 (MANE Select); coding-DNA position 1805, T replaced by C.
Protein change: p.Leu602Pro; replaces leucine 602 with proline.
Molecular consequence: missense variant.
Genome position (GRCh38, 1-based): chr5:45,262,789, A>G on the plus strand (T>C on the coding strand, the complement: HCN1 is on the minus strand). VCF-style: chr5-45262789-A-G. GRCh37 (hg19) VCF-style: chr5-45262891-A-G.
Other names: short protein forms L602P.
Identifiers: ClinVar variation 2817150 (VCV002817150.3), dbSNP rs2478183376, ClinGen allele CA359704756.
Genomic context (GRCh38, chr5:45,262,789, plus strand): 5'-AGGATTTCGTTCTCCTGATTGTTGAAAACACCAGTGTTCAGATCCTTCTGGAACTTTTGC[A>G]GAAGAATTGAATTTTTCTTTCCTGTCAGCAAAAGAAAGATAGGCACTTAGAAAGCCTACC-3'
Protein context (NP_066550.2, residues 592-612): DRIGKKNSIL[Leu602Pro]QKFQKDLNTG